The following is an entry in ClinVar:

ClinVar aggregate classification (germline): Uncertain significance (1 of 4 stars; one submission).

Submission:

GeneDx
Classification: Uncertain significance. Last evaluated: 2021-07-14. Review status: criteria provided, single submitter. Criteria: GeneDx Variant Classification Process June 2021. Collection method: clinical testing. Allele origin: germline. Affected: yes.
Comment: Not observed in large population cohorts (Lek et al., 2016); In silico analysis supports that this missense variant does not alter protein structure/function; Has not been previously published as pathogenic or benign to our knowledge; This variant is associated with the following publications: (PMID: 27535533)

NM_206933.4(USH2A):c.6436G>T (p.Val2146Leu)

Gene: USH2A (usherin; minus strand). Cytogenetic location: 1q41.
Variant type: single nucleotide variant.
Coding change: c.6436G>T on transcript NM_206933.4 (MANE Select); coding-DNA position 6436, G replaced by T.
Protein change: p.Val2146Leu; replaces valine 2146 with leucine.
Molecular consequence: missense variant.
Genome position (GRCh38, 1-based): chr1:216,000,452, C>A on the plus strand (G>T on the coding strand, the complement: USH2A is on the minus strand). VCF-style: chr1-216000452-C-A. GRCh37 (hg19) VCF-style: chr1-216173794-C-A.
Other names: short protein forms V2146L.
Identifiers: ClinVar variation 1313768 (VCV001313768.2), dbSNP rs766466542, ClinGen allele CA344861660.